The following is an entry in ClinVar:

ClinVar aggregate classification (germline): Benign/Likely benign. Review status: criteria provided, multiple submitters, no conflicts (2 of 4 stars). 3 submissions from 3 submitters: Benign (2); Likely benign (1). Last evaluated 2026-03-01.

Conditions:
Tenorio syndrome (TNORS). Also called: OVERGROWTH, MACROCEPHALY, AND INTELLECTUAL DISABILITY SYNDROME. Identifiers: MedGen C4015710, MONDO:0014553, OMIM 616260.

Allele frequency attached by ClinVar (database versions not stated): gnomAD exomes 0.00036 and 0.00098; ExAC 0.00125; gnomAD 0.00409 and 0.00445; 1000 Genomes Project 0.00419; 1000 Genomes Project 30x 0.00453; TOPMed 0.00458; ESP Exome Variant Server 0.00561.
gnomAD v4.1: 1,143 of 1,575,466 alleles (0.073%); highest among the groups gnomAD compares: African/African-American, 1.4%; 8 homozygotes.

Submissions (3):

CeGaT Center for Human Genetics Tuebingen
Classification: Likely benign. Last evaluated: 2026-03-01. Review status: criteria provided, single submitter. Criteria: CeGaT Center For Human Genetics Tuebingen Variant Classification Criteria Version 2. Collection method: clinical testing. Allele origin: germline. Affected: yes. Observed: 2 variant alleles.
Comment: RNF125: BP4, BP7, BS1

Labcorp Genetics (formerly Invitae), Labcorp
Classification: Benign for Tenorio syndrome. Last evaluated: 2025-07-24. Review status: criteria provided, single submitter. Criteria: Invitae Variant Classification Sherloc (09022015). Collection method: clinical testing. Allele origin: germline.

Breakthrough Genomics
Classification: Benign. Review status: criteria provided, single submitter. Criteria: ACMG Guidelines, 2015. Collection method: not provided. Allele origin: germline. Inheritance: Autosomal dominant inheritance. Affected: yes.

NM_017831.4(RNF125):c.690C>T (p.Asn230=)

Gene: RNF125 (ring finger protein 125; plus strand). Cytogenetic location: 18q12.1.
Variant type: single nucleotide variant.
Coding change: c.690C>T on transcript NM_017831.4 (MANE Select); coding-DNA position 690, C replaced by T.
Protein change: p.Asn230=; no amino-acid change (asparagine 230 retained).
Molecular consequence: synonymous variant.
Genome position (GRCh38, 1-based): chr18:32,068,375, C>T. VCF-style: chr18-32068375-C-T. GRCh37 (hg19) VCF-style: chr18-29648338-C-T.
Identifiers: ClinVar variation 707273 (VCV000707273.34), dbSNP rs141596575, ClinGen allele CA8930576.